The following is an entry in ClinVar:

ClinVar aggregate classification (germline): Likely pathogenic (1 of 4 stars; one submission).

Conditions:
Microcephaly, normal intelligence and immunodeficiency (NBS). Also called: IMMUNODEFICIENCY, MICROCEPHALY, AND CHROMOSOMAL INSTABILITY; SEEMANOVA SYNDROME II; Nijmegen breakage syndrome; Microcephaly with normal intelligence immunodeficiency and lymphoreticular malignancies; Nonsyndromal microcephaly autosomal recessive with normal intelligence; Seemanova syndrome 2. Identifiers: Orphanet 647, MedGen C0398791, MONDO:0009623, OMIM 251260.

Submission:

Labcorp Genetics (formerly Invitae), Labcorp
Classification: Likely pathogenic for Microcephaly, normal intelligence and immunodeficiency. Last evaluated: 2023-10-02. Review status: criteria provided, single submitter. Criteria: Invitae Variant Classification Sherloc (09022015). Collection method: clinical testing. Allele origin: germline.
Comment: This variant results in the deletion of part of exon 12 (c.1846-726_1895del) of the NBN gene. It is expected to disrupt RNA splicing. Variants that disrupt the donor or acceptor splice site typically lead to a loss of protein function (PMID: 16199547), and loss-of-function variants in NBN are known to be pathogenic (PMID: 9590180, 16415040). This variant is not present in population databases (gnomAD no frequency). This variant has not been reported in the literature in individuals affected with NBN-related conditions. In summary, the currently available evidence indicates that the variant is pathogenic, but additional data are needed to prove that conclusively. Therefore, this variant has been classified as Likely Pathogenic.

Literature cited by the submitters: PubMed 16199547; PubMed 9590180; PubMed 16415040.

NM_002485.5(NBN):c.1846-726_1895del

Genes: NBN (nibrin; minus strand), LOC126860438 (MED14-independent group 3 enhancer GRCh37_chr8:90959982-90961181; plus strand). Cytogenetic location: 8q21.3.
Variant type: Deletion.
Coding change: c.1846-726_1895del on transcript NM_002485.5 (MANE Select); 726 bases into the intron before coding-DNA position 1846 through coding-DNA position 1895, 776 bases deleted.
Molecular consequence: splice acceptor variant.
Genome position (GRCh38, 1-based): chr8:89,947,843-89,948,618, 776 bases deleted. GRCh37 (hg19): chr8:90,960,074-90,960,849.
Other names: c.1600-726_1649del (NM_001024688.3).
Identifiers: ClinVar variation 2764800 (VCV002764800.3), dbSNP rs2488209363, ClinGen allele CA2697549992.